The following is an entry in ClinVar:

ClinVar aggregate classification (germline): Uncertain significance. Review status: criteria provided, multiple submitters, no conflicts (2 of 4 stars). 2 submissions from 2 submitters: Uncertain significance (2). Last evaluated 2022-11-20.

Conditions:
DK1-congenital disorder of glycosylation. Also called: DOLK-congenital disorder of glycosylation; Carbohydrate deficient glycoprotein syndrome type 1m; DK1-CDG; DK1 DEFICIENCY; DOLICHOL KINASE DEFICIENCY; CONGENITAL DISORDER OF GLYCOSYLATION, TYPE Im. Identifiers: Orphanet 91131, MedGen C1835849, MONDO:0012556, OMIM 610768.
Cardiovascular phenotype. Identifiers: MedGen CN230736.

Allele frequency attached by ClinVar (database versions not stated): gnomAD exomes 0.00001; TOPMed 0.00001.

Submissions (2):

Ambry Genetics
Classification: Uncertain significance for Cardiovascular phenotype. Last evaluated: 2022-11-20. Review status: criteria provided, single submitter. Criteria: Ambry Variant Classification Scheme 2023. Collection method: clinical testing. Allele origin: germline.
Comment: The p.A48V variant (also known as c.143C>T), located in coding exon 1 of the DOLK gene, results from a C to T substitution at nucleotide position 143. The alanine at codon 48 is replaced by valine, an amino acid with similar properties. This amino acid position is conserved. In addition, the in silico prediction for this alteration is inconclusive. Since supporting evidence is limited at this time, the clinical significance of this alteration remains unclear.

Labcorp Genetics (formerly Invitae), Labcorp
Classification: Uncertain significance for DK1-congenital disorder of glycosylation. Last evaluated: 2021-10-04. Review status: criteria provided, single submitter. Criteria: Invitae Variant Classification Sherloc (09022015). Collection method: clinical testing. Allele origin: germline.
Comment: In summary, the available evidence is currently insufficient to determine the role of this variant in disease. Therefore, it has been classified as a Variant of Uncertain Significance. Algorithms developed to predict the effect of missense changes on protein structure and function (SIFT, PolyPhen-2, Align-GVGD) all suggest that this variant is likely to be tolerated. This variant has not been reported in the literature in individuals affected with DOLK-related conditions. This variant is not present in population databases (ExAC no frequency). This sequence change replaces alanine with valine at codon 48 of the DOLK protein (p.Ala48Val). The alanine residue is moderately conserved and there is a small physicochemical difference between alanine and valine.

NM_014908.4(DOLK):c.143C>T (p.Ala48Val)

Gene: DOLK (dolichol kinase; minus strand). Cytogenetic location: 9q34.11.
Variant type: single nucleotide variant.
Coding change: c.143C>T on transcript NM_014908.4 (MANE Select); coding-DNA position 143, C replaced by T.
Protein change: p.Ala48Val; replaces alanine 48 with valine.
Molecular consequence: missense variant.
Genome position (GRCh38, 1-based): chr9:128,947,161, G>A on the plus strand (C>T on the coding strand, the complement: DOLK is on the minus strand). VCF-style: chr9-128947161-G-A. GRCh37 (hg19) VCF-style: chr9-131709440-G-A.
Other names: c.143C>T (NM_014908.3); short protein forms A48V.
Identifiers: ClinVar variation 1440875 (VCV001440875.8), dbSNP rs1293227197, ClinGen allele CA375128119.